The following is an entry in ClinVar:

ClinVar aggregate classification (germline): Uncertain significance (1 of 4 stars; one submission).

gnomAD v4.1: 8 of 1,555,348 alleles (0.00051%); highest among the groups gnomAD compares: Non-Finnish European, 0.00069%; no homozygotes.

Submission:

Labcorp Genetics (formerly Invitae), Labcorp
Classification: Uncertain significance. Last evaluated: 2025-12-08. Review status: criteria provided, single submitter. Criteria: Invitae Variant Classification Sherloc (09022015). Collection method: clinical testing. Allele origin: germline.
Comment: This sequence change replaces methionine, which is neutral and non-polar, with valine, which is neutral and non-polar, at codon 38 of the TGFB1 protein (p.Met38Val). This variant is not present in population databases (gnomAD no frequency). This variant has not been reported in the literature in individuals affected with TGFB1-related conditions. An algorithm developed to predict the effect of missense changes on protein structure and function (PolyPhen-2) suggests that this variant is likely to be tolerated. In summary, the available evidence is currently insufficient to determine the role of this variant in disease. Therefore, it has been classified as a Variant of Uncertain Significance.

NM_000660.7(TGFB1):c.112A>G (p.Met38Val)

Genes: TGFB1 (transforming growth factor beta 1; minus strand), LOC130064510 (ATAC-STARR-seq lymphoblastoid silent region 10661; plus strand). Cytogenetic location: 19q13.2.
Variant type: single nucleotide variant.
Coding change: c.112A>G on transcript NM_000660.7 (MANE Select); coding-DNA position 112, A replaced by G.
Protein change: p.Met38Val; replaces methionine 38 with valine.
Molecular consequence: missense variant.
Genome position (GRCh38, 1-based): chr19:41,352,933, T>C on the plus strand (A>G on the coding strand, the complement: TGFB1 is on the minus strand). VCF-style: chr19-41352933-T-C. GRCh37 (hg19) VCF-style: chr19-41858838-T-C.
Other names: short protein forms M38V.
Identifiers: ClinVar variation 4732756 (VCV004732756.1).